The following is an entry in ClinVar:

NM_003114.5(SPAG1):c.2548T>C (p.Phe850Leu)

Gene: SPAG1 (sperm associated antigen 1; plus strand). Cytogenetic location: 8q22.2.
Variant type: single nucleotide variant.
Coding change: c.2548T>C on transcript NM_003114.5 (MANE Select); coding-DNA position 2548, T replaced by C.
Protein change: p.Phe850Leu; replaces phenylalanine 850 with leucine.
Molecular consequence: missense variant.
Genome position (GRCh38, 1-based): chr8:100,240,670, T>C. VCF-style: chr8-100240670-T-C. GRCh37 (hg19) VCF-style: chr8-101252898-T-C.
Other names: c.2548T>C, p.Phe850Leu (NM_001374321.1, NM_172218.3); short protein forms F850L.
Identifiers: ClinVar variation 1792907 (VCV001792907.2), dbSNP rs958028536, ClinGen allele CA182395151.

ClinVar aggregate classification (germline): Uncertain significance (1 of 4 stars; one submission).

Conditions:
Primary ciliary dyskinesia. Also called: Ciliary dyskinesia. Identifiers: Orphanet 244, MedGen C0008780, MONDO:0016575, HP:0012265.

Allele frequency attached by ClinVar (database versions not stated): gnomAD exomes below 0.00001; TOPMed 0.00001.
gnomAD v4.1: 1 of 1,614,100 alleles (0.000062%); highest among the groups gnomAD compares: East Asian, 0.0022%; no homozygotes.

Submission:

Ambry Genetics
Classification: Uncertain significance for Primary ciliary dyskinesia. Last evaluated: 2017-03-17. Review status: criteria provided, single submitter. Criteria: Ambry Variant Classification Scheme 2023. Collection method: clinical testing. Allele origin: germline.
Comment: The p.F850L variant (also known as c.2548T>C), located in coding exon 17 of the SPAG1 gene, results from a T to C substitution at nucleotide position 2548. The phenylalanine at codon 850 is replaced by leucine, an amino acid with highly similar properties. This amino acid position is not well conserved in available vertebrate species, and leucine is the reference amino acid in other vertebrate species. In addition, this alteration is predicted to be tolerated by in silico analysis.Since supporting evidence is limited at this time, the clinical significance of this alteration remains unclear.